The following is an entry in ClinVar:

NM_000754.4(COMT):c.801C>T (p.Ser267=)

Genes: ARVCF (ARVCF delta catenin family member; minus strand), COMT (catechol-O-methyltransferase; plus strand). Cytogenetic location: 22q11.21.
Variant type: single nucleotide variant.
Coding change: c.801C>T on transcript NM_000754.4 (MANE Select); coding-DNA position 801, C replaced by T.
Protein change: p.Ser267=; no amino-acid change (serine 267 retained).
Molecular consequence: synonymous variant.
Genome position (GRCh38, 1-based): chr22:19,968,721, C>T. VCF-style: chr22-19968721-C-T. GRCh37 (hg19) VCF-style: chr22-19956244-C-T.
Other names: c.801C>T, p.Ser267= (NM_001135161.2, NM_001135162.2, NM_001362828.2); c.651C>T, p.Ser217= (NM_007310.3).
Identifiers: ClinVar variation 3054100 (VCV003054100.2), dbSNP rs762482920, ClinGen allele CA10104789.

ClinVar aggregate classification (germline): Likely benign (0 of 4 stars; one submission).

Conditions:
COMT-related disorder. Also called: COMT-related condition.

Allele frequency attached by ClinVar (database versions not stated): ExAC 0.00001; gnomAD 0.00001; TOPMed 0.00001.
gnomAD v4.1: 14 of 1,604,694 alleles (0.00087%); highest among the groups gnomAD compares: South Asian, 0.0044%; no homozygotes.

Submission:

PreventionGenetics, part of Exact Sciences
Classification: Likely benign for COMT-related condition. Last evaluated: 2020-04-24. Review status: no assertion criteria provided. Collection method: clinical testing. Allele origin: germline.
Comment: This variant is classified as likely benign based on ACMG/AMP sequence variant interpretation guidelines (Richards et al. 2015 PMID: 25741868, with internal and published modifications).